The following is an entry in ClinVar:

NM_001080458.2(EVX2):c.98G>A (p.Gly33Asp)

Gene: EVX2 (even-skipped homeobox 2; minus strand). Cytogenetic location: 2q31.1.
Variant type: single nucleotide variant.
Coding change: c.98G>A on transcript NM_001080458.2 (MANE Select); coding-DNA position 98, G replaced by A.
Protein change: p.Gly33Asp; replaces glycine 33 with aspartic acid.
Molecular consequence: missense variant.
Genome position (GRCh38, 1-based): chr2:176,083,679, C>T on the plus strand (G>A on the coding strand, the complement: EVX2 is on the minus strand). VCF-style: chr2-176083679-C-T. GRCh37 (hg19) VCF-style: chr2-176948407-C-T.
Other names: short protein forms G33D.
Identifiers: ClinVar variation 2354717 (VCV002354717.26), dbSNP rs200000504, ClinGen allele CA1976473.

ClinVar aggregate classification (germline): Uncertain significance. Review status: criteria provided, multiple submitters, no conflicts (2 of 4 stars). 2 submissions from 2 submitters: Uncertain significance (2). Last evaluated 2022-11-01.

Allele frequency attached by ClinVar (database versions not stated): 1000 Genomes Project 30x 0.00016; 1000 Genomes Project 0.00020; ExAC 0.00043; ESP Exome Variant Server 0.00046; gnomAD 0.00050; TOPMed 0.00056; gnomAD exomes 0.00072.

Submissions (2):

CeGaT Center for Human Genetics Tuebingen
Classification: Uncertain significance. Last evaluated: 2022-11-01. Review status: criteria provided, single submitter. Criteria: CeGaT Center For Human Genetics Tuebingen Variant Classification Criteria Version 2. Collection method: clinical testing. Allele origin: germline. Affected: yes. Observed: 1 variant allele.
Comment: EVX2: PP3

Ambry Genetics
Classification: Uncertain significance. Last evaluated: 2021-09-14. Review status: criteria provided, single submitter. Criteria: Ambry Variant Classification Scheme 2023. Collection method: clinical testing. Allele origin: germline.